The following is an entry in ClinVar:

NM_001130987.2(DYSF):c.1493+1G>A

Gene: DYSF (dysferlin; plus strand). Cytogenetic location: 2p13.2.
Variant type: single nucleotide variant.
Coding change: c.1493+1G>A on transcript NM_001130987.2 (MANE Select); the canonical splice donor site of the intron after coding-DNA position 1493, G replaced by A.
Molecular consequence: splice donor variant.
Genome position (GRCh38, 1-based): chr2:71,535,312, G>A. VCF-style: chr2-71535312-G-A. GRCh37 (hg19) VCF-style: chr2-71762442-G-A.
Other names: c.1490+1G>A (NM_001130979.2, NM_001130981.2, NM_001130980.2); c.1397+1G>A (NM_001130978.2, NM_003494.4, NM_001130977.2 and 1 more transcripts); c.1493+1G>A (NM_001130982.2, NM_001130985.2); c.1400+1G>A (NM_001130983.2, NM_001130455.2, NM_001130984.2 and 1 more transcripts).
Identifiers: ClinVar variation 554741 (VCV000554741.16), dbSNP rs1553536007, ClinGen allele CA347215841.
Genomic context (GRCh38, chr2:71,535,312, plus strand): 5'-TCTATTCCTTCCTCAGTTTCCCTCCATGTGCGAAAAAATGAGGATTCGTATCATAGACTG[G>A]TGAGTTCTGAGTCTTGGAGTCTTTAGGGCGGGCTGTCCTGAGGGGGCGCTGGGTCCCTCA-3'

ClinVar aggregate classification (germline): Likely pathogenic. Review status: criteria provided, single submitter (1 of 4 stars). 2 submissions from 2 submitters: Likely pathogenic (1). 1 of the submissions does not count toward it. Last evaluated 2022-07-05.

Conditions:
Neuromuscular disease caused by qualitative or quantitative defects of dysferlin. Also called: Dysferlinopathy; Qualitative or quantitative defects of dysferlin. Identifiers: Orphanet 207073, MedGen C2931687, MONDO:0016145.
Autosomal recessive limb-girdle muscular dystrophy type 2B (LGMDR2). Also called: MUSCULAR DYSTROPHY, LIMB-GIRDLE, AUTOSOMAL RECESSIVE 2; MUSCULAR DYSTROPHY, LIMB-GIRDLE, TYPE 3; Limb-girdle muscular dystrophy, type 2B; Limb-Girdle Muscular Dystrophy Type 2B (LGMD2B). Identifiers: Orphanet 268, MedGen C1850889, MONDO:0009676, OMIM 253601.

Submissions (2):

Labcorp Genetics (formerly Invitae), Labcorp
Classification: Likely pathogenic for Neuromuscular disease caused by qualitative or quantitative defects of dysferlin. Last evaluated: 2022-07-05. Review status: criteria provided, single submitter. Criteria: Invitae Variant Classification Sherloc (09022015). Collection method: clinical testing. Allele origin: germline.
Comment: This sequence change affects a donor splice site in intron 15 of the DYSF gene. It is expected to disrupt RNA splicing. Variants that disrupt the donor or acceptor splice site typically lead to a loss of protein function (PMID: 16199547), and loss-of-function variants in DYSF are known to be pathogenic (PMID: 17698709, 20301480). This variant is not present in population databases (gnomAD no frequency). Disruption of this splice site has been observed in individual(s) with limb-girdle muscular dystrophy (Invitae). ClinVar contains an entry for this variant (Variation ID: 554741). Algorithms developed to predict the effect of sequence changes on RNA splicing suggest that this variant may disrupt the consensus splice site. In summary, the currently available evidence indicates that the variant is pathogenic, but additional data are needed to prove that conclusively. Therefore, this variant has been classified as Likely Pathogenic.

Counsyl
Classification: Likely pathogenic for Autosomal recessive limb-girdle muscular dystrophy type 2B. Last evaluated: 2017-11-02. Review status: no assertion criteria provided. Collection method: clinical testing. Allele origin: unknown. Not counted in ClinVar's aggregate classification.

Literature cited by the submitters: PubMed 16199547 (cited by Labcorp Genetics (formerly Invitae), Labcorp); PubMed 17698709 (cited by Labcorp Genetics (formerly Invitae), Labcorp); PubMed 20301480 (cited by Labcorp Genetics (formerly Invitae), Labcorp).